The following is an entry in ClinVar:

ClinVar aggregate classification (germline): Uncertain significance (1 of 4 stars; one submission).

Allele frequency attached by ClinVar (database versions not stated): TOPMed below 0.00001.

Submission:

CeGaT Center for Human Genetics Tuebingen
Classification: Uncertain significance. Last evaluated: 2024-06-01. Review status: criteria provided, single submitter. Criteria: CeGaT Center For Human Genetics Tuebingen Variant Classification Criteria Version 2. Collection method: clinical testing. Allele origin: germline. Affected: yes. Observed: 1 variant allele.
Comment: CCDC50: PM2

NM_178335.3(CCDC50):c.1051G>A (p.Asp351Asn)

Gene: CCDC50 (coiled-coil domain containing 50; plus strand). Cytogenetic location: 3q28.
Variant type: single nucleotide variant.
Coding change: c.1051G>A on transcript NM_178335.3 (MANE Select); coding-DNA position 1051, G replaced by A.
Protein change: p.Asp351Asn; replaces aspartic acid 351 with asparagine.
Molecular consequence: missense variant.
Genome position (GRCh38, 1-based): chr3:191,380,233, G>A. VCF-style: chr3-191380233-G-A. GRCh37 (hg19) VCF-style: chr3-191098022-G-A.
Other names: c.523G>A, p.Asp175Asn (NM_174908.4); short protein forms D175N, D351N.
Identifiers: ClinVar variation 3251201 (VCV003251201.18), dbSNP rs1713265575.